The following is an entry in ClinVar:

NM_018180.3(DHX32):c.1697G>A (p.Cys566Tyr)

Genes: BCCIP (BRCA2 and CDKN1A interacting protein; plus strand), DHX32 (DEAH-box helicase 32 (putative); minus strand). Cytogenetic location: 10q26.2.
Variant type: single nucleotide variant.
Coding change: c.1697G>A on transcript NM_018180.3 (MANE Select); coding-DNA position 1697, G replaced by A.
Protein change: p.Cys566Tyr; replaces cysteine 566 with tyrosine.
Molecular consequence: missense variant. On other transcripts: intron variant (2).
Genome position (GRCh38, 1-based): chr10:125,839,185, C>T on the plus strand (G>A on the coding strand, the complement: DHX32 is on the minus strand). VCF-style: chr10-125839185-C-T. GRCh37 (hg19) VCF-style: chr10-127527754-C-T.
Other names: c.775-2070C>T (NM_016567.4, NM_078469.3); short protein forms C566Y.
Identifiers: ClinVar variation 1898181 (VCV001898181.4), dbSNP rs766162520, ClinGen allele CA5739073.

ClinVar aggregate classification (germline): Uncertain significance (1 of 4 stars; one submission).

Allele frequency attached by ClinVar (database versions not stated): ExAC 0.00002; gnomAD exomes 0.00001; gnomAD 0.00002; TOPMed 0.00002.
gnomAD v4.1: 10 of 1,613,996 alleles (0.00062%); highest among the groups gnomAD compares: Admixed American, 0.01%; no homozygotes.

Submission:

Labcorp Genetics (formerly Invitae), Labcorp
Classification: Uncertain significance. Last evaluated: 2022-09-02. Review status: criteria provided, single submitter. Criteria: Invitae Variant Classification Sherloc (09022015). Collection method: clinical testing. Allele origin: germline.
Comment: In summary, the available evidence is currently insufficient to determine the role of this variant in disease. Therefore, it has been classified as a Variant of Uncertain Significance. Algorithms developed to predict the effect of missense changes on protein structure and function (SIFT, PolyPhen-2, Align-GVGD) all suggest that this variant is likely to be tolerated. This variant has not been reported in the literature in individuals affected with DHX32-related conditions. This variant is present in population databases (rs766162520, gnomAD 0.01%). This sequence change replaces cysteine, which is neutral and slightly polar, with tyrosine, which is neutral and polar, at codon 566 of the DHX32 protein (p.Cys566Tyr).